The following is an entry in ClinVar:

NM_018834.6(MATR3):c.689G>T (p.Cys230Phe)

Gene: MATR3 (matrin 3; plus strand). Cytogenetic location: 5q31.2.
Variant type: single nucleotide variant.
Coding change: c.689G>T on transcript NM_018834.6 (MANE Select); coding-DNA position 689, G replaced by T.
Protein change: p.Cys230Phe; replaces cysteine 230 with phenylalanine.
Molecular consequence: missense variant. On other transcripts: intron variant (2).
Genome position (GRCh38, 1-based): chr5:139,308,104, G>T. VCF-style: chr5-139308104-G-T. GRCh37 (hg19) VCF-style: chr5-138643793-G-T.
Other names: c.689G>T, p.Cys230Phe (NM_001194954.2, NM_001194955.2, NM_199189.3); c.-102-6571G>T (NM_001282278.2); c.49-6571G>T (NM_001194956.2); short protein forms C230F.
Identifiers: ClinVar variation 1045568 (VCV001045568.9), dbSNP rs200871699, ClinGen allele CA3432931.
Genomic context (GRCh38, chr5:139,308,104, plus strand): 5'-AATCTGGTTATTATGACAGAATGGATTATGAAGATGACAGATTAAGAGATGGAGAAAGGT[G>T]TAGGGATGATTCTTTTTTTGGTGAGACCTCGCATAACTATCATAAATTTGACAGTGAGTA-3'
Protein context (NP_061322.2, residues 220-240): EDDRLRDGER[Cys230Phe]RDDSFFGETS

ClinVar aggregate classification (germline): Uncertain significance (1 of 4 stars; one submission).

Conditions:
Amyotrophic lateral sclerosis type 21. Also called: VOCAL CORD AND PHARYNGEAL DYSFUNCTION WITH DISTAL MYOPATHY; MYOPATHY, DISTAL, 2. Identifiers: Orphanet 600, Orphanet 803, MedGen C3807521, MONDO:0011632, OMIM 606070.

Allele frequency attached by ClinVar (database versions not stated): gnomAD exomes below 0.00001; ExAC 0.00001; gnomAD 0.00001; TOPMed 0.00002; ESP Exome Variant Server 0.00008.
gnomAD v4.1: 3 of 1,614,018 alleles (0.00019%); highest among the groups gnomAD compares: African/African-American, 0.004%; no homozygotes.

Submission:

Labcorp Genetics (formerly Invitae), Labcorp
Classification: Uncertain significance for Amyotrophic lateral sclerosis type 21. Last evaluated: 2022-09-01. Review status: criteria provided, single submitter. Criteria: Invitae Variant Classification Sherloc (09022015). Collection method: clinical testing. Allele origin: germline.
Comment: In summary, the available evidence is currently insufficient to determine the role of this variant in disease. Therefore, it has been classified as a Variant of Uncertain Significance. Algorithms developed to predict the effect of missense changes on protein structure and function are either unavailable or do not agree on the potential impact of this missense change (SIFT: "Tolerated"; PolyPhen-2: "Probably Damaging"; Align-GVGD: "Class C0"). ClinVar contains an entry for this variant (Variation ID: 1045568). This variant has not been reported in the literature in individuals affected with MATR3-related conditions. This variant is present in population databases (rs200871699, gnomAD 0.007%). This sequence change replaces cysteine, which is neutral and slightly polar, with phenylalanine, which is neutral and non-polar, at codon 230 of the MATR3 protein (p.Cys230Phe).